The following is an entry in ClinVar:

ClinVar aggregate classification (germline): Pathogenic. Review status: criteria provided, single submitter (1 of 4 stars). 2 submissions from 1 submitter: Pathogenic (2). Last evaluated 2019-05-14.

Conditions:
Autosomal dominant epilepsy with auditory features. Identifiers: Orphanet 101046, MedGen C1838062, MONDO:0010898.
Epilepsy, familial temporal lobe, 1. Identifiers: Orphanet 101046, MedGen CN030884, MONDO:0700090, OMIM 600512.

Submissions (2):

Labcorp Genetics (formerly Invitae), Labcorp
Classification: Pathogenic for Autosomal dominant epilepsy with auditory features. Last evaluated: 2019-05-14. Review status: criteria provided, single submitter. Criteria: Invitae Variant Classification Sherloc (09022015). Collection method: clinical testing. Allele origin: germline.
Comment: A gross deletion of the genomic region encompassing the full coding sequence of the LGI1 gene has been identified. The boundaries of this event are unknown as the deletion extends beyond the assayed region for this gene and therefore may encompass additional genes. This variant has not been reported in the literature in individuals with LGI1-related conditions. Loss-of-function variants in LGI1 are known to be pathogenic (PMID: 24206907). For these reasons, this variant has been classified as Pathogenic.

Labcorp Genetics (formerly Invitae), Labcorp
Classification: Pathogenic for Autosomal dominant epilepsy with auditory features. Last evaluated: 2019-05-10. Review status: criteria provided, single submitter. Criteria: Invitae Variant Classification Sherloc (09022015). Collection method: clinical testing. Allele origin: germline.
Comment: the same text as in the submission from Labcorp Genetics (formerly Invitae), Labcorp above.

Literature cited by the submitters: PubMed 24206907.

NC_000010.11:g.(?_93161309)_(93797823_?)del

Genes: CEP55 (centrosomal protein 55; plus strand), FFAR4 (free fatty acid receptor 4; plus strand), FRA10AC1 (FRA10A associated CGG repeat 1; minus strand), LGI1 (leucine rich glioma inactivated 1; plus strand), MYOF (myoferlin; minus strand) and 2 more. Cytogenetic location: 10q23.33.
Variant type: Deletion.
Identifiers: ClinVar variation 833253 (VCV000833253.5).